The following is an entry in ClinVar:

NM_172107.4(KCNQ2):c.1148+3A>G

Gene: KCNQ2 (potassium voltage-gated channel subfamily Q member 2; minus strand). Cytogenetic location: 20q13.33.
Variant type: single nucleotide variant.
Coding change: c.1148+3A>G on transcript NM_172107.4 (MANE Select); 3 bases into the intron after coding-DNA position 1148, A replaced by G.
Molecular consequence: intron variant.
Genome position (GRCh38, 1-based): chr20:63,431,337, T>C on the plus strand (A>G on the coding strand, the complement: KCNQ2 is on the minus strand). VCF-style: chr20-63431337-T-C. GRCh37 (hg19) VCF-style: chr20-62062690-T-C.
Other names: c.1118+2472A>G (NM_004518.6); c.1148+3A>G (NM_172108.5, NM_172106.3, NM_001382235.1).
Identifiers: ClinVar variation 3373426 (VCV003373426.1).
Genomic context (GRCh38, chr20:63,431,337, plus strand): 5'-CAGTTCCAGACACAGAACTAGAACCACACACACACACAGGGCTTCTGTCCATGCATTTCC[T>C]ACCTGGAGGCCCCGTAGGTTTGAGTTTGCGAACTTTCAAGTGTTTCCACACACACAAAGG-3'

ClinVar aggregate classification (germline): Uncertain significance (1 of 4 stars; one submission).

gnomAD v4.1: 1 of 1,613,596 alleles (0.000062%); highest among the groups gnomAD compares: Non-Finnish European, 0.000085%; no homozygotes.

Submission:

GeneDx
Classification: Uncertain significance. Last evaluated: 2024-04-30. Review status: criteria provided, single submitter. Criteria: GeneDx Variant Classification Process June 2021. Collection method: clinical testing. Allele origin: germline. Affected: yes.
Comment: Not observed at significant frequency in large population cohorts (gnomAD); Has not been previously published as pathogenic or benign to our knowledge; In silico analysis is inconclusive as to whether the variant alters gene splicing. In the absence of RNA/functional studies, the actual effect of this sequence change is unknown.